The following is an entry in ClinVar:

ClinVar aggregate classification (germline): Uncertain significance (1 of 4 stars; one submission).

Allele frequency attached by ClinVar (database versions not stated): gnomAD exomes below 0.00001.
gnomAD v4.1: 1 of 1,477,970 alleles (0.000068%); no homozygotes.

Submission:

Labcorp Genetics (formerly Invitae), Labcorp
Classification: Uncertain significance. Last evaluated: 2023-02-06. Review status: criteria provided, single submitter. Criteria: Invitae Variant Classification Sherloc (09022015). Collection method: clinical testing. Allele origin: germline.
Comment: In summary, the available evidence is currently insufficient to determine the role of this variant in disease. Therefore, it has been classified as a Variant of Uncertain Significance. Algorithms developed to predict the effect of missense changes on protein structure and function are either unavailable or do not agree on the potential impact of this missense change (SIFT: "Deleterious"; PolyPhen-2: "Not Available"; Align-GVGD: "Class C0"). This variant has not been reported in the literature in individuals affected with SON-related conditions. This variant is not present in population databases (gnomAD no frequency). This sequence change replaces arginine, which is basic and polar, with histidine, which is basic and polar, at codon 1970 of the SON protein (p.Arg1970His).

NM_138927.4(SON):c.5909G>A (p.Arg1970His)

Gene: SON (SON DNA and RNA binding protein; plus strand). Cytogenetic location: 21q22.11.
Variant type: single nucleotide variant.
Coding change: c.5909G>A on transcript NM_138927.4 (MANE Select); coding-DNA position 5909, G replaced by A.
Protein change: p.Arg1970His; replaces arginine 1970 with histidine.
Molecular consequence: missense variant. On other transcripts: non-coding transcript variant (1), intron variant (1).
Genome position (GRCh38, 1-based): chr21:33,555,140, G>A. VCF-style: chr21-33555140-G-A. GRCh37 (hg19) VCF-style: chr21-34927446-G-A.
Other names: c.5909G>A, p.Arg1970His (NM_001291411.2, NM_001412133.1, NM_032195.3 and 2 more transcripts); c.245-2016G>A (NM_001291412.3); short protein forms R1970H.
Identifiers: ClinVar variation 2809311 (VCV002809311.3), dbSNP rs2517394556, ClinGen allele CA410165782.